The following is an entry in ClinVar:

ClinVar aggregate classification (germline): Uncertain significance. Review status: criteria provided, multiple submitters, no conflicts (2 of 4 stars). 2 submissions from 2 submitters: Uncertain significance (2). Last evaluated 2026-02-27.

Conditions:
Inborn genetic diseases. Identifiers: MedGen C0950123, MeSH D030342.

gnomAD v4.1: 2 of 1,612,132 alleles (0.00012%); highest among the groups gnomAD compares: Admixed American, 0.0017%; no homozygotes.

Submissions (2):

Ambry Genetics
Classification: Uncertain significance for Inborn genetic diseases. Last evaluated: 2026-02-27. Review status: criteria provided, single submitter. Criteria: Ambry Variant Classification Scheme 2023. Collection method: clinical testing. Allele origin: germline.

CeGaT Center for Human Genetics Tuebingen
Classification: Uncertain significance. Last evaluated: 2025-09-01. Review status: criteria provided, single submitter. Criteria: CeGaT Center For Human Genetics Tuebingen Variant Classification Criteria Version 2. Collection method: clinical testing. Allele origin: germline. Affected: yes. Observed: 1 variant allele.
Comment: CLCN3: PM2, PP3

NM_001829.4(CLCN3):c.2367-2099A>C

Gene: CLCN3 (Cl-/H+ antiporter 3; plus strand). Cytogenetic location: 4q33.
Variant type: single nucleotide variant.
Coding change: c.2367-2099A>C on transcript NM_001829.4 (MANE Select); 2099 bases into the intron before coding-DNA position 2367, A replaced by C.
Molecular consequence: intron variant. On other transcripts: missense variant (1).
Genome position (GRCh38, 1-based): chr4:169,717,808, A>C. VCF-style: chr4-169717808-A-C. GRCh37 (hg19) VCF-style: chr4-170638959-A-C.
Other names: c.2383A>C (NM_173872.3); c.2383A>C, p.Ile795Leu (NM_173872.4); c.2286-2099A>C (NM_001243372.2, NM_001243374.2); short protein forms I795L.
Identifiers: ClinVar variation 4281585 (VCV004281585.7).